The following is an entry in ClinVar:

NM_003803.4(MYOM1):c.1520A>G (p.Glu507Gly)

Gene: MYOM1 (myomesin 1; minus strand). Cytogenetic location: 18p11.31.
Variant type: single nucleotide variant.
Coding change: c.1520A>G on transcript NM_003803.4 (MANE Select); coding-DNA position 1520, A replaced by G.
Protein change: p.Glu507Gly; replaces glutamic acid 507 with glycine.
Molecular consequence: missense variant.
Genome position (GRCh38, 1-based): chr18:3,155,070, T>C on the plus strand (A>G on the coding strand, the complement: MYOM1 is on the minus strand). VCF-style: chr18-3155070-T-C. GRCh37 (hg19) VCF-style: chr18-3155068-T-C.
Other names: c.1520A>G, p.Glu507Gly (NM_019856.2); short protein forms E507G.
Identifiers: ClinVar variation 3688716 (VCV003688716.2).

ClinVar aggregate classification (germline): Uncertain significance (1 of 4 stars; one submission).

Conditions:
Hypertrophic cardiomyopathy. Also called: HYPERTROPHIC MYOCARDIOPATHY. Identifiers: Orphanet 217569, MedGen C0007194, MeSH D002312, MONDO:0005045, HP:0001639.

Submission:

Labcorp Genetics (formerly Invitae), Labcorp
Classification: Uncertain significance for Hypertrophic cardiomyopathy. Last evaluated: 2024-12-25. Review status: criteria provided, single submitter. Criteria: Invitae Variant Classification Sherloc (09022015). Collection method: clinical testing. Allele origin: germline.
Comment: This sequence change replaces glutamic acid, which is acidic and polar, with glycine, which is neutral and non-polar, at codon 507 of the MYOM1 protein (p.Glu507Gly). This variant is not present in population databases (gnomAD no frequency). This variant has not been reported in the literature in individuals affected with MYOM1-related conditions. Invitae Evidence Modeling of protein sequence and biophysical properties (such as structural, functional, and spatial information, amino acid conservation, physicochemical variation, residue mobility, and thermodynamic stability) indicates that this missense variant is not expected to disrupt MYOM1 protein function with a negative predictive value of 80%. In summary, the available evidence is currently insufficient to determine the role of this variant in disease. Therefore, it has been classified as a Variant of Uncertain Significance.